The following is an entry in ClinVar:

NM_001034850.3(RETREG1):c.*592G>A

Gene: RETREG1 (reticulophagy regulator 1; minus strand). Cytogenetic location: 5p15.1.
Variant type: single nucleotide variant.
Coding change: c.*592G>A on transcript NM_001034850.3 (MANE Select); 592 bases downstream of the stop codon, G replaced by A.
Molecular consequence: 3 prime UTR variant.
Genome position (GRCh38, 1-based): chr5:16,474,149, C>T on the plus strand (G>A on the coding strand, the complement: RETREG1 is on the minus strand). VCF-style: chr5-16474149-C-T. GRCh37 (hg19) VCF-style: chr5-16474258-C-T.
Other names: c.*592G>A (NM_019000.5).
Identifiers: ClinVar variation 352678 (VCV000352678.6), dbSNP rs2401881, ClinGen allele CA10619942.

ClinVar aggregate classification (germline): Benign. Review status: criteria provided, multiple submitters, no conflicts (2 of 4 stars). 2 submissions from 2 submitters: Benign (2). Last evaluated 2018-01-13.

Conditions:
Neuropathy, hereditary sensory and autonomic, type 2B (HSAN2B). Also called: RETREG1-Related HSAN2 (HSAN2B). Identifiers: Orphanet 970, MedGen C2751092, MONDO:0013142, OMIM 613115.

Allele frequency attached by ClinVar (database versions not stated): gnomAD exomes 0.00406; gnomAD 0.03136 and 0.03326; TOPMed 0.03605; 1000 Genomes Project 0.03654; 1000 Genomes Project 30x 0.03904.
gnomAD v4.1: 4,735 of 153,440 alleles (3.1%); highest among the groups gnomAD compares: African/African-American, 11%; 249 homozygotes.

Submissions (2):

Illumina Laboratory Services, Illumina
Classification: Benign for Neuropathy, hereditary sensory and autonomic, type 2B. Last evaluated: 2018-01-13. Review status: criteria provided, single submitter. Criteria: ICSL Variant Classification Criteria 13 December 2019. Collection method: clinical testing. Allele origin: germline.
Comment: This variant was observed in the ICSL laboratory as part of a predisposition screen in an ostensibly healthy population. It had not been previously curated by ICSL or reported in the Human Gene Mutation Database (HGMD: prior to June 1st, 2018), and was therefore a candidate for classification through an automated scoring system. Utilizing variant allele frequency, disease prevalence and penetrance estimates, and inheritance mode, an automated score was calculated to assess if this variant is too frequent to cause the disease. Based on the score and internal cut-off values, a variant classified as benign is not then subjected to further curation. The score for this variant resulted in a classification of benign for this disease.

Breakthrough Genomics
Classification: Benign. Review status: criteria provided, single submitter. Criteria: ACMG Guidelines, 2015. Collection method: not provided. Allele origin: germline. Inheritance: Autosomal recessive inheritance. Affected: yes.